The following is an entry in ClinVar:

NM_000709.4(BCKDHA):c.843C>T (p.Gly281=)

Gene: BCKDHA (branched chain keto acid dehydrogenase E1 subunit alpha; plus strand). Cytogenetic location: 19q13.2.
Variant type: single nucleotide variant.
Coding change: c.843C>T on transcript NM_000709.4 (MANE Select); coding-DNA position 843, C replaced by T.
Protein change: p.Gly281=; no amino-acid change (glycine 281 retained).
Molecular consequence: synonymous variant.
Genome position (GRCh38, 1-based): chr19:41,422,360, C>T. VCF-style: chr19-41422360-C-T. GRCh37 (hg19) VCF-style: chr19-41928265-C-T.
Other names: c.843C>T, p.Gly281= (NM_001164783.2).
Identifiers: ClinVar variation 714807 (VCV000714807.19), dbSNP rs371343548, ClinGen allele CA9461271.

ClinVar aggregate classification (germline): Likely benign. Review status: criteria provided, multiple submitters, no conflicts (2 of 4 stars). 4 submissions from 4 submitters: Likely benign (2). 2 of the submissions do not count toward it. Last evaluated 2025-11-01.

Conditions:
Maple syrup urine disease type 1A (MSUD1A). Also called: MSUD type 1A. Identifiers: MedGen C1855369, MONDO:0023691, OMIM 248600.
BCKDHA-related disorder. Also called: BCKDHA-related condition.
Maple syrup urine disease (MSUD). Identifiers: Orphanet 511, MedGen C0024776, MeSH D008375, MONDO:0009563. Disease mechanism: loss of function.

Allele frequency attached by ClinVar (database versions not stated): gnomAD exomes 0.00006; ExAC 0.00007; ESP Exome Variant Server 0.00008; TOPMed 0.00014; gnomAD 0.00019.
gnomAD v4.1: 85 of 1,614,188 alleles (0.0053%); highest among the groups gnomAD compares: African/African-American, 0.064%; 1 homozygote.

Submissions (4):

CeGaT Center for Human Genetics Tuebingen
Classification: Likely benign. Last evaluated: 2025-11-01. Review status: criteria provided, single submitter. Criteria: CeGaT Center For Human Genetics Tuebingen Variant Classification Criteria Version 2. Collection method: clinical testing. Allele origin: germline. Affected: yes. Observed: 1 variant allele.
Comment: BCKDHA: BP4, BP7

Labcorp Genetics (formerly Invitae), Labcorp
Classification: Likely benign for Maple syrup urine disease. Last evaluated: 2024-10-28. Review status: criteria provided, single submitter. Criteria: Invitae Variant Classification Sherloc (09022015). Collection method: clinical testing. Allele origin: germline.

Natera, Inc.
Classification: Uncertain significance for Maple syrup urine disease type 1A. Last evaluated: 2020-01-24. Review status: no assertion criteria provided. Collection method: clinical testing. Allele origin: germline. Not counted in ClinVar's aggregate classification.

PreventionGenetics, part of Exact Sciences
Classification: Likely benign for BCKDHA-related condition. Last evaluated: 2019-10-30. Review status: no assertion criteria provided. Collection method: clinical testing. Allele origin: germline. Not counted in ClinVar's aggregate classification.
Comment: This variant is classified as likely benign based on ACMG/AMP sequence variant interpretation guidelines (Richards et al. 2015 PMID: 25741868, with internal and published modifications).